The following is an entry in ClinVar:

ClinVar aggregate classification (germline): Benign (1 of 4 stars; one submission).

Conditions:
Immunodeficiency 67. Also called: Immunodeficiency due to interleukin-1 receptor-associated kinase-4 deficiency. Identifiers: Orphanet 70592, MedGen C1843256, MONDO:0011888, OMIM 607676.

Allele frequency attached by ClinVar (database versions not stated): 1000 Genomes Project 0.00819; gnomAD 0.00848 and 0.00905; 1000 Genomes Project 30x 0.00906; TOPMed 0.00971.

Submission:

Illumina Laboratory Services, Illumina
Classification: Benign for Immunodeficiency 67. Last evaluated: 2018-01-13. Review status: criteria provided, single submitter. Criteria: ICSL Variant Classification Criteria 13 December 2019. Collection method: clinical testing. Allele origin: germline.
Comment: This variant was observed in the ICSL laboratory as part of a predisposition screen in an ostensibly healthy population. It had not been previously curated by ICSL or reported in the Human Gene Mutation Database (HGMD: prior to June 1st, 2018), and was therefore a candidate for classification through an automated scoring system. Utilizing variant allele frequency, disease prevalence and penetrance estimates, and inheritance mode, an automated score was calculated to assess if this variant is too frequent to cause the disease. Based on the score and internal cut-off values, a variant classified as benign is not then subjected to further curation. The score for this variant resulted in a classification of benign for this disease.

NM_016123.4(IRAK4):c.*1777A>T

Gene: IRAK4 (interleukin 1 receptor associated kinase 4; plus strand). Cytogenetic location: 12q12.
Variant type: single nucleotide variant.
Coding change: c.*1777A>T on transcript NM_016123.4 (MANE Select); 1777 bases downstream of the stop codon, A replaced by T.
Molecular consequence: 3 prime UTR variant.
Genome position (GRCh38, 1-based): chr12:43,788,492, A>T. VCF-style: chr12-43788492-A-T. GRCh37 (hg19) VCF-style: chr12-44182295-A-T.
Other names: c.*1777A>T (NM_001114182.3, NM_001145256.2, NM_001145257.2 and 9 more transcripts).
Identifiers: ClinVar variation 308753 (VCV000308753.5), dbSNP rs4251554, ClinGen allele CA10642249.